The following is an entry in ClinVar:

NM_001903.5(CTNNA1):c.668C>G (p.Thr223Ser)

Gene: CTNNA1 (catenin alpha 1; plus strand). Cytogenetic location: 5q31.2.
Variant type: single nucleotide variant.
Coding change: c.668C>G on transcript NM_001903.5 (MANE Select); coding-DNA position 668, C replaced by G.
Protein change: p.Thr223Ser; replaces threonine 223 with serine.
Molecular consequence: missense variant.
Genome position (GRCh38, 1-based): chr5:138,824,609, C>G. VCF-style: chr5-138824609-C-G. GRCh37 (hg19) VCF-style: chr5-138160298-C-G.
Other names: c.668C>G, p.Thr223Ser (NM_001290307.3, NM_001323982.2, NM_001323983.1 and 3 more transcripts); c.359C>G, p.Thr120Ser (NM_001290309.3); c.299C>G, p.Thr100Ser (NM_001290310.3); c.668C>G (NM_001903.4); short protein forms T223S, T100S, T120S.
Identifiers: ClinVar variation 1754899 (VCV001754899.10), dbSNP rs2532424160, ClinGen allele CA361129652.
Genomic context (GRCh38, chr5:138,824,609, plus strand): 5'-ATCGTGATCAGATGGCTGCAGCTAGAGGAATCCTGCAGAAGAACGTTCCGATCCTCTATA[C>G]TGCATCCCAGGCATGCCTACAGCACCCTGATGTCGCAGCCTATAAGGCCAACAGGGACCT-3'
Protein context (NP_001894.2, residues 213-233): ILQKNVPILY[Thr223Ser]ASQACLQHPD

ClinVar aggregate classification (germline): Uncertain significance. Review status: criteria provided, multiple submitters, no conflicts (2 of 4 stars). 3 submissions from 3 submitters: Uncertain significance (3). Last evaluated 2026-06-14.

Conditions:
CTNNA1-related disorder. Also called: CTNNA1-related condition.
Hereditary cancer-predisposing syndrome. Also called: Neoplastic Syndromes, Hereditary; Hereditary neoplastic syndrome; Hereditary Cancer Syndrome; Tumor predisposition. Identifiers: Orphanet 140162, MedGen C0027672, MeSH D009386, MONDO:0015356.

Submissions (3):

PreventionGenetics, part of Exact Sciences
Classification: Uncertain significance for CTNNA1-related condition. Last evaluated: 2026-06-14. Review status: criteria provided, single submitter. Criteria: ACMG Guidelines, 2015. Collection method: clinical testing. Allele origin: germline.
Comment: The CTNNA1 c.668C>G variant is predicted to result in the amino acid substitution p.Thr223Ser. To our knowledge, this variant has not been reported in the literature or in a large population database, indicating this variant is rare. It is classified as uncertain in ClinVar (Variation ID: 1754899). At this time, the clinical significance of this variant is uncertain due to the absence of conclusive functional and genetic evidence.

Ambry Genetics
Classification: Uncertain significance for Hereditary cancer-predisposing syndrome. Last evaluated: 2024-06-03. Review status: criteria provided, single submitter. Criteria: Ambry Variant Classification Scheme 2023. Collection method: clinical testing. Allele origin: germline.
Comment: The p.T223S variant (also known as c.668C>G), located in coding exon 5 of the CTNNA1 gene, results from a C to G substitution at nucleotide position 668. The threonine at codon 223 is replaced by serine, an amino acid with similar properties. This amino acid position is conserved. In addition, the in silico prediction for this alteration is inconclusive. The evidence for this gene-disease relationship is limited; therefore, the clinical significance of this alteration is unclear.

Labcorp Genetics (formerly Invitae), Labcorp
Classification: Uncertain significance. Last evaluated: 2023-12-18. Review status: criteria provided, single submitter. Criteria: Invitae Variant Classification Sherloc (09022015). Collection method: clinical testing. Allele origin: germline.
Comment: This sequence change replaces threonine, which is neutral and polar, with serine, which is neutral and polar, at codon 223 of the CTNNA1 protein (p.Thr223Ser). This variant is not present in population databases (gnomAD no frequency). This variant has not been reported in the literature in individuals affected with CTNNA1-related conditions. ClinVar contains an entry for this variant (Variation ID: 1754899). An algorithm developed to predict the effect of missense changes on protein structure and function (PolyPhen-2) suggests that this variant is likely to be tolerated. In summary, the available evidence is currently insufficient to determine the role of this variant in disease. Therefore, it has been classified as a Variant of Uncertain Significance.